The following is an entry in ClinVar:

NM_000051.4(ATM):c.8042T>G (p.Val2681Gly)

Genes: ATM (ATM serine/threonine kinase; plus strand), C11orf65 (chromosome 11 open reading frame 65; minus strand). Cytogenetic location: 11q22.3.
Variant type: single nucleotide variant.
Coding change: c.8042T>G on transcript NM_000051.4 (MANE Select); coding-DNA position 8042, T replaced by G.
Protein change: p.Val2681Gly; replaces valine 2681 with glycine.
Molecular consequence: missense variant. On other transcripts: intron variant (2).
Genome position (GRCh38, 1-based): chr11:108,335,000, T>G. VCF-style: chr11-108335000-T-G. GRCh37 (hg19) VCF-style: chr11-108205727-T-G.
Other names: c.8042T>G, p.Val2681Gly (NM_001351834.2); c.641-25929A>C (NM_001330368.2); c.*38+220A>C (NM_001351110.2); short protein forms V2681G.
Identifiers: ClinVar variation 2840323 (VCV002840323.3), dbSNP rs2136655561, ClinGen allele CA382561901.

ClinVar aggregate classification (germline): Uncertain significance (1 of 4 stars; one submission).

Conditions:
Ataxia-telangiectasia syndrome (AT). Also called: LOUIS-BAR SYNDROME; Cerebello-oculocutaneous telangiectasia; Immunodeficiency with ataxia telangiectasia; Ataxia telangiectasia (A-T); Ataxia-telangiectasia, complementation group D; AT, COMPLEMENTATION GROUP C. Identifiers: Orphanet 100, MedGen C0004135, MONDO:0008840, OMIM 208900.

Submission:

Labcorp Genetics (formerly Invitae), Labcorp
Classification: Uncertain significance for Ataxia-telangiectasia syndrome. Last evaluated: 2023-02-24. Review status: criteria provided, single submitter. Criteria: Invitae Variant Classification Sherloc (09022015). Collection method: clinical testing. Allele origin: germline.
Comment: In summary, the available evidence is currently insufficient to determine the role of this variant in disease. Therefore, it has been classified as a Variant of Uncertain Significance. An algorithm developed to predict the effect of missense changes on protein structure and function (PolyPhen-2) suggests that this variant is likely to be disruptive. This variant has not been reported in the literature in individuals affected with ATM-related conditions. This variant is not present in population databases (gnomAD no frequency). This sequence change replaces valine, which is neutral and non-polar, with glycine, which is neutral and non-polar, at codon 2681 of the ATM protein (p.Val2681Gly).